The following is an entry in ClinVar:

NM_030632.3(ASXL3):c.3039+1G>A

Gene: ASXL3 (ASXL transcriptional regulator 3; plus strand). Cytogenetic location: 18q12.1.
Variant type: single nucleotide variant.
Coding change: c.3039+1G>A on transcript NM_030632.3 (MANE Select); the canonical splice donor site of the intron after coding-DNA position 3039, G replaced by A.
Molecular consequence: splice donor variant.
Genome position (GRCh38, 1-based): chr18:33,740,444, G>A. VCF-style: chr18-33740444-G-A. GRCh37 (hg19) VCF-style: chr18-31320408-G-A.
Other names: c.3039+1G>A (NM_030632.2).
Identifiers: ClinVar variation 522818 (VCV000522818.9), dbSNP rs1555743003, ClinGen allele CA402182255.

ClinVar aggregate classification (germline): Pathogenic. Review status: criteria provided, multiple submitters, no conflicts (2 of 4 stars). 3 submissions from 3 submitters: Pathogenic (3). Last evaluated 2025-03-13.

Conditions:
Inborn genetic diseases. Identifiers: MedGen C0950123, MeSH D030342.
Bainbridge-Ropers syndrome. Also called: Severe feeding difficulties-failure to thrive-microcephaly due to ASXL3 deficiency syndrome. Identifiers: Orphanet 352577, MedGen C4750837, MONDO:0014205, OMIM 615485.
ASXL3-related disorder. Also called: ASXL3-related condition. Identifiers: MedGen CN381524.

Submissions (3):

PreventionGenetics, part of Exact Sciences
Classification: Pathogenic for ASXL3-related condition. Last evaluated: 2025-03-13. Review status: criteria provided, single submitter. Criteria: ACMG Guidelines, 2015. Collection method: clinical testing. Allele origin: germline.
Comment: The ASXL3 c.3039+1G>A variant is predicted to disrupt the GT donor site and interfere with normal splicing. This variant has been reported as a de novo variant in individuals with Bainbridge-Ropers syndrome/developmental disorder/autism (see example: Hori et al. 2016. PubMed ID: 27075689; search 31320408 in Table S2, Turner et al. 2019. PubMed ID: 31785789; Supplementary Data 3, Zhou et al. 2022. PubMed ID: 35982159 ). This variant has not been reported in a large population database, indicating this variant is rare. Variants that disrupt the consensus splice donor site in ASXL3 are expected to be pathogenic. This variant is interpreted as pathogenic.

Ambry Genetics
Classification: Pathogenic for Inborn genetic diseases. Last evaluated: 2023-05-26. Review status: criteria provided, single submitter. Criteria: Ambry Variant Classification Scheme 2023. Collection method: clinical testing. Allele origin: germline.
Comment: The c.3039+1G>A intronic alteration results from a G to A substitution one nucleotide after coding exon 11 of the ASXL3 gene. This alteration occurs at the 3' terminus of the ASXL3 gene, is not expected to trigger nonsense-mediated mRNA decay, and impacts the last 54% of the protein. The exact functional effect of this alteration is unknown; however the impacted region is critical for protein function and a significant portion of the protein is affected (Ambry internal data). This variant was not reported in population-based cohorts in the Genome Aggregation Database (gnomAD). This variant has been determined to be the result of a de novo mutation in multiple individuals with clinical findings consistent with with Bainbridge&ndash;Ropers syndrome (Hori, 2016; Turner, 2019). This nucleotide position is highly conserved in available vertebrate species. In silico splice site analysis predicts that this alteration will weaken the native splice donor site and may result in the creation or strengthening of a novel splice donor site. Based on the available evidence, this alteration is classified as pathogenic.

Undiagnosed Diseases Network, NIH
Classification: Pathogenic for Bainbridge-Ropers syndrome. Last evaluated: 2016-12-01. Review status: criteria provided, single submitter. Criteria: ACMG Guidelines, 2015. Collection method: clinical testing. Allele origin: unknown. Inheritance: Autosomal dominant inheritance. Affected: yes. Observed: 1 variant allele, 1 heterozygote. Study: Undiagnosed Diseases Network (NIH), UDN.

Literature cited by the submitters: PubMed 27075689 (cited by Ambry Genetics and Undiagnosed Diseases Network, NIH); PubMed 31785789 (cited by Ambry Genetics).